The following is an entry in ClinVar:

ClinVar aggregate classification (germline): Pathogenic (1 of 4 stars; one submission).

Conditions:
Hereditary cancer-predisposing syndrome. Also called: Neoplastic Syndromes, Hereditary; Tumor predisposition; Hereditary Cancer Syndrome; Hereditary neoplastic syndrome. Identifiers: Orphanet 140162, MedGen C0027672, MeSH D009386, MONDO:0015356.

Submission:

Ambry Genetics
Classification: Pathogenic for Hereditary cancer-predisposing syndrome. Last evaluated: 2026-01-26. Review status: criteria provided, single submitter. Criteria: Ambry Variant Classification Scheme 2023. Collection method: clinical testing. Allele origin: germline.
Comment: The p.L585* pathogenic mutation (also known as c.1754T>A), located in coding exon 10 of the ATM gene, results from a T to A substitution at nucleotide position 1754. This changes the amino acid from a leucine to a stop codon within coding exon 10. This variant is considered to be rare based on population cohorts in the Genome Aggregation Database (gnomAD). This alteration is expected to result in loss of function by premature protein truncation or nonsense-mediated mRNA decay. As such, this alteration is interpreted as a disease-causing mutation.

NM_000051.4(ATM):c.1754T>A (p.Leu585Ter)

Gene: ATM (ATM serine/threonine kinase; plus strand). Cytogenetic location: 11q22.3.
Variant type: single nucleotide variant.
Coding change: c.1754T>A on transcript NM_000051.4 (MANE Select); coding-DNA position 1754, T replaced by A.
Protein change: p.Leu585Ter; replaces leucine 585 with a stop codon.
Molecular consequence: nonsense.
Genome position (GRCh38, 1-based): chr11:108,251,983, T>A. VCF-style: chr11-108251983-T-A. GRCh37 (hg19) VCF-style: chr11-108122710-T-A.
Other names: c.1754T>A, p.Leu585Ter (NM_001351834.2); short protein forms L585*.
Identifiers: ClinVar variation 4825501 (VCV004825501.1).